The following is an entry in ClinVar:

NM_001754.5(RUNX1):c.968-15T>C

Gene: RUNX1 (RUNX family transcription factor 1; minus strand). Cytogenetic location: 21q22.12.
Variant type: single nucleotide variant.
Coding change: c.968-15T>C on transcript NM_001754.5 (MANE Select); 15 bases into the intron before coding-DNA position 968, T replaced by C.
Molecular consequence: intron variant.
Genome position (GRCh38, 1-based): chr21:34,792,625, A>G on the plus strand (T>C on the coding strand, the complement: RUNX1 is on the minus strand). VCF-style: chr21-34792625-A-G. GRCh37 (hg19) VCF-style: chr21-36164922-A-G.
Other names: c.887-15T>C (NM_001001890.3).
Identifiers: ClinVar variation 2066747 (VCV002066747.5), dbSNP rs1435393831, ClinGen allele CA638053822.

ClinVar aggregate classification (germline): Likely benign. Review status: reviewed by expert panel (3 of 4 stars). 2 submissions from 2 submitters: Likely benign (1). 1 of the submissions does not count toward it. Last evaluated 2024-06-24.

Conditions:
Hereditary thrombocytopenia and hematologic cancer predisposition syndrome. Identifiers: Orphanet 71290, MedGen CN281654, MONDO:0011071.
Hereditary thrombocytopenia and hematological cancer predisposition syndrome associated with RUNX1. Also called: Familial Platelet Disorder with Propensity to Acute Myelogenous Leukemia; Familial thrombocytopenia with propensity to acute myelogenous leukemia; PLATELET DISORDER, ASPIRIN-LIKE; RUNX1 Familial Platelet Disorder with Associated Myeloid Malignancies. Identifiers: Orphanet 71290, MedGen C1832388, MeSH C563324, MONDO:0100083, OMIM 601399.

Allele frequency attached by ClinVar (database versions not stated): gnomAD exomes below 0.00001.
gnomAD v4.1: 6 of 1,568,672 alleles (0.00038%); highest among the groups gnomAD compares: East Asian, 0.0094%; no homozygotes.

Submissions (2):

ClinGen Myeloid Malignancy Variant Curation Expert Panel
Classification: Likely benign for Hereditary thrombocytopenia and hematologic cancer predisposition syndrome. Last evaluated: 2024-06-24. Review status: reviewed by expert panel. Criteria: ClinGen MyeloMalig ACMG Specifications v2. Collection method: curation. Allele origin: germline. Inheritance: Autosomal dominant inheritance.
Comment: This intronic variant has a SpliceAI score 0.04 <0.50 (BP4). It has a SpliceAI score ≤ 0.20 (0.04) and evolutionary conservation prediction algorithms predict the site as not being conserved (PhyloP score ≤ 2.0 (1.042)) (BP7). And this variant is completely absent from all population databases with at least 20x coverage for RUNX1 (PM2_Supporting). In summary, the clinical significance of this variant is likely benign. ACMG/AMP criteria applied, as specified by the Myeloid Malignancy Variant Curation Expert Panel for RUNX1: PM2_supporting BP4, BP7.

Labcorp Genetics (formerly Invitae), Labcorp
Classification: Likely benign for Hereditary thrombocytopenia and hematological cancer predisposition syndrome associated with RUNX1. Last evaluated: 2025-04-07. Review status: criteria provided, single submitter. Criteria: Invitae Variant Classification Sherloc (09022015). Collection method: clinical testing. Allele origin: germline. Not counted in ClinVar's aggregate classification.